The following is an entry in ClinVar:

ClinVar aggregate classification (germline): Uncertain significance (1 of 4 stars; one submission).

Conditions:
KLHL7-related disorder. Also called: KLHL7-related condition; KLHL7-related disorders.

gnomAD v4.1: 17 of 1,511,978 alleles (0.0011%); highest among the groups gnomAD compares: African/African-American, 0.021%; no homozygotes.

Submission:

PreventionGenetics, part of Exact Sciences
Classification: Uncertain significance for KLHL7-related condition. Last evaluated: 2025-08-05. Review status: criteria provided, single submitter. Criteria: ACMG Guidelines, 2015. Collection method: clinical testing. Allele origin: germline.
Comment: The KLHL7 c.463C>A variant is predicted to result in the amino acid substitution p.Gln155Lys. To our knowledge, this variant has not been reported in the literature. This variant is reported in 0.019% of alleles in individuals of African descent in gnomAD. At this time, the clinical significance of this variant is uncertain due to the absence of conclusive functional and genetic evidence.

NM_001031710.3(KLHL7):c.442+609C>A

Gene: KLHL7 (kelch like family member 7; plus strand). Cytogenetic location: 7p15.3.
Variant type: single nucleotide variant.
Coding change: c.442+609C>A on transcript NM_001031710.3 (MANE Select); 609 bases into the intron after coding-DNA position 442, C replaced by A.
Molecular consequence: intron variant. On other transcripts: missense variant (1), non-coding transcript variant (1).
Genome position (GRCh38, 1-based): chr7:23,125,781, C>A. VCF-style: chr7-23125781-C-A. GRCh37 (hg19) VCF-style: chr7-23165400-C-A.
Other names: c.463C>A, p.Gln155Lys (NM_001172428.2); c.298+609C>A (NM_018846.5); short protein forms Q155K.
Identifiers: ClinVar variation 4990199 (VCV004990199.1).